The following is an entry in ClinVar:

ClinVar aggregate classification (germline): Uncertain significance (1 of 4 stars; one submission).

Submission:

GeneDx
Classification: Uncertain significance. Last evaluated: 2022-06-03. Review status: criteria provided, single submitter. Criteria: GeneDx Variant Classification Process June 2021. Collection method: clinical testing. Allele origin: germline. Affected: yes.
Comment: Not observed at significant frequency in large population cohorts (gnomAD); In silico analysis supports that this missense variant does not alter protein structure/function; Has not been previously published as pathogenic or benign to our knowledge

NM_021956.5(GRIK2):c.1007A>C (p.Gln336Pro)

Gene: GRIK2 (glutamate ionotropic receptor kainate type subunit 2; plus strand). Cytogenetic location: 6q16.3.
Variant type: single nucleotide variant.
Coding change: c.1007A>C on transcript NM_021956.5 (MANE Select); coding-DNA position 1007, A replaced by C.
Protein change: p.Gln336Pro; replaces glutamine 336 with proline.
Molecular consequence: missense variant.
Genome position (GRCh38, 1-based): chr6:101,799,703, A>C. VCF-style: chr6-101799703-A-C. GRCh37 (hg19) VCF-style: chr6-102247578-A-C.
Other names: c.1007A>C, p.Gln336Pro (NM_001166247.1, NM_175768.3); short protein forms Q336P.
Identifiers: ClinVar variation 1803598 (VCV001803598.1), dbSNP rs919167176, ClinGen allele CA365305539.